The following is an entry in ClinVar:

ClinVar aggregate classification (germline): Likely benign. Review status: criteria provided, multiple submitters, no conflicts (2 of 4 stars). 4 submissions from 4 submitters: Likely benign (4). Last evaluated 2026-01-26.

Conditions:
Leukocyte adhesion deficiency 1 (LAD1). Also called: LEUKOCYTE ADHESION DEFICIENCY, TYPE I; LAD 1; Lymphocyte function-associated antigen 1 immunodeficiency; LFA 1 immunodeficiency. Identifiers: Orphanet 2968, Orphanet 99842, MedGen C0398738, MONDO:0007293, OMIM 116920.

Allele frequency attached by ClinVar (database versions not stated): ExAC 0.00007; ESP Exome Variant Server 0.00008; gnomAD 0.00029 and 0.00031; TOPMed 0.00035.
gnomAD v4.1: 137 of 1,611,564 alleles (0.0085%); highest among the groups gnomAD compares: African/African-American, 0.063%; no homozygotes.

Submissions (4):

Labcorp Genetics (formerly Invitae), Labcorp
Classification: Likely benign for Leukocyte adhesion deficiency 1. Last evaluated: 2026-01-26. Review status: criteria provided, single submitter. Criteria: Invitae Variant Classification Sherloc (09022015). Collection method: clinical testing. Allele origin: germline.

Mayo Clinic Laboratories, Mayo Clinic
Classification: Likely benign. Last evaluated: 2025-11-19. Review status: criteria provided, single submitter. Criteria: ACMG Guidelines, 2015. Collection method: clinical testing. Allele origin: germline. Observed: 1 variant allele.
Comment: BP4, BP7

Blueprint Genetics
Classification: Likely benign. Last evaluated: 2024-03-09. Review status: criteria provided, single submitter. Criteria: ACMG Guidelines, 2015. Collection method: clinical testing. Allele origin: germline.

Breakthrough Genomics
Classification: Likely benign. Review status: criteria provided, single submitter. Criteria: ACMG Guidelines, 2015. Collection method: not provided. Allele origin: germline. Inheritance: Autosomal recessive inheritance. Affected: yes.

NM_000211.5(ITGB2):c.2025G>A (p.Thr675=)

Gene: ITGB2 (integrin subunit beta 2; minus strand). Cytogenetic location: 21q22.3.
Variant type: single nucleotide variant.
Coding change: c.2025G>A on transcript NM_000211.5 (MANE Select); coding-DNA position 2025, G replaced by A.
Protein change: p.Thr675=; no amino-acid change (threonine 675 retained).
Molecular consequence: synonymous variant.
Genome position (GRCh38, 1-based): chr21:44,888,748, C>T on the plus strand (G>A on the coding strand, the complement: ITGB2 is on the minus strand). VCF-style: chr21-44888748-C-T. GRCh37 (hg19) VCF-style: chr21-46308663-C-T.
Other names: p.Thr675=; c.2025G>A, p.Thr675= (NM_001127491.3); c.1818G>A, p.Thr606= (NM_001303238.2).
Identifiers: ClinVar variation 731994 (VCV000731994.13), dbSNP rs369283897, ClinGen allele CA10062604.